The following is an entry in ClinVar:

ClinVar aggregate classification (germline): Likely pathogenic. Review status: criteria provided, multiple submitters, no conflicts (2 of 4 stars). 2 submissions from 2 submitters: Likely pathogenic (2). Last evaluated 2024-07-18.

Conditions:
Inborn genetic diseases. Identifiers: MedGen C0950123, MeSH D030342.

Submissions (2):

GeneDx
Classification: Likely pathogenic. Last evaluated: 2024-07-18. Review status: criteria provided, single submitter. Criteria: GeneDx Variant Classification Process June 2021. Collection method: clinical testing. Allele origin: germline. Affected: yes.
Comment: Not observed at significant frequency in large population cohorts (gnomAD); In silico analysis supports that this missense variant has a deleterious effect on protein structure/function; This variant is associated with the following publications: (PMID: 18409179, 25356970, 30109123)

Ambry Genetics
Classification: Likely pathogenic for Inborn genetic diseases. Last evaluated: 2014-01-10. Review status: criteria provided, single submitter. Criteria: Ambry Autosomal Dominant and X-Linked criteria (10/2015). Collection method: clinical testing. Allele origin: germline. Observed: 1 variant allele.

NM_000489.6(ATRX):c.740A>G (p.Asn247Ser)

Gene: ATRX (ATRX chromatin remodeler; minus strand). Cytogenetic location: Xq21.1.
Variant type: single nucleotide variant.
Coding change: c.740A>G on transcript NM_000489.6 (MANE Select); coding-DNA position 740, A replaced by G.
Protein change: p.Asn247Ser; replaces asparagine 247 with serine.
Molecular consequence: missense variant.
Genome position (GRCh38, 1-based): chrX:77,684,516, T>C on the plus strand (A>G on the coding strand, the complement: ATRX is on the minus strand). VCF-style: chrX-77684516-T-C. GRCh37 (hg19) VCF-style: chrX-76940008-T-C.
Other names: c.626A>G, p.Asn209Ser (NM_138270.5); short protein forms N247S, N209S.
Identifiers: ClinVar variation 208660 (VCV000208660.5), dbSNP rs797044865, ClinGen allele CA204628.